The following is an entry in ClinVar:

NM_000521.4(HEXB):c.272G>C (p.Cys91Ser)

Gene: HEXB (hexosaminidase subunit beta; plus strand). Cytogenetic location: 5q13.3.
Variant type: single nucleotide variant.
Coding change: c.272G>C on transcript NM_000521.4 (MANE Select); coding-DNA position 272, G replaced by C.
Protein change: p.Cys91Ser; replaces cysteine 91 with serine.
Molecular consequence: missense variant. On other transcripts: intron variant (1).
Genome position (GRCh38, 1-based): chr5:74,685,532, G>C. VCF-style: chr5-74685532-G-C. GRCh37 (hg19) VCF-style: chr5-73981357-G-C.
Other names: c.-376-3796G>C (NM_001292004.2); short protein forms C91S.
Identifiers: ClinVar variation 374340 (VCV000374340.4), dbSNP rs1057518709, ClinGen allele CA16043662.

ClinVar aggregate classification (germline): Uncertain significance. Review status: criteria provided, single submitter (1 of 4 stars). 2 submissions from 2 submitters: Uncertain significance (1). 1 of the submissions does not count toward it. Last evaluated 2024-09-29.

Conditions:
Sandhoff disease. Also called: Beta-hexosaminidase-beta-subunit deficiency; GM2 gangliosidosis, type 2; Total hexosaminidase deficiency; Sandhoff-Jatzkewitz-Pilz disease; GM2-GANGLIOSIDOSIS, TYPE II; HEXOSAMINIDASES A AND B DEFICIENCY. Identifiers: Orphanet 796, MedGen C0036161, MONDO:0010006, OMIM 268800.

Submissions (2):

Labcorp Genetics (formerly Invitae), Labcorp
Classification: Uncertain significance for Sandhoff disease. Last evaluated: 2024-09-29. Review status: criteria provided, single submitter. Criteria: Invitae Variant Classification Sherloc (09022015). Collection method: clinical testing. Allele origin: germline.
Comment: This sequence change replaces cysteine, which is neutral and slightly polar, with serine, which is neutral and polar, at codon 91 of the HEXB protein (p.Cys91Ser). This variant is not present in population databases (gnomAD no frequency). This missense change has been observed in individuals with Sandhoff disease (PMID: 27391121, 35568357). ClinVar contains an entry for this variant (Variation ID: 374340). Invitae Evidence Modeling of protein sequence and biophysical properties (such as structural, functional, and spatial information, amino acid conservation, physicochemical variation, residue mobility, and thermodynamic stability) has been performed for this missense variant. However, the output from this modeling did not meet the statistical confidence thresholds required to predict the impact of this variant on HEXB protein function. In summary, the available evidence is currently insufficient to determine the role of this variant in disease. Therefore, it has been classified as a Variant of Uncertain Significance.

Baylor Genetics
Classification: Uncertain significance for Sandhoff disease. Last evaluated: 2015-01-15. Review status: no assertion criteria provided. Collection method: clinical testing. Allele origin: germline. Inheritance: Autosomal recessive inheritance. Affected: yes. Observed: 1 variant allele, 1 homozygote. Not counted in ClinVar's aggregate classification.

Literature cited by the submitters: PubMed 27391121 (cited by Labcorp Genetics (formerly Invitae), Labcorp); PubMed 35568357 (cited by Labcorp Genetics (formerly Invitae), Labcorp).